The following is an entry in ClinVar:

NM_001291303.3(FAT4):c.4735C>T (p.Arg1579Cys)

Gene: FAT4 (FAT atypical cadherin 4; plus strand). Cytogenetic location: 4q28.1.
Variant type: single nucleotide variant.
Coding change: c.4735C>T on transcript NM_001291303.3 (MANE Select); coding-DNA position 4735, C replaced by T.
Protein change: p.Arg1579Cys; replaces arginine 1579 with cysteine.
Molecular consequence: missense variant. On other transcripts: intron variant (1).
Genome position (GRCh38, 1-based): chr4:125,321,146, C>T. VCF-style: chr4-125321146-C-T. GRCh37 (hg19) VCF-style: chr4-126242301-C-T.
Other names: c.4735C>T, p.Arg1579Cys (NM_001291285.3, NM_001438396.1, NM_001438397.1 and 1 more transcripts); c.-55+5169C>T (NM_001437895.1); short protein forms R1579C.
Identifiers: ClinVar variation 4279863 (VCV004279863.1).
Genomic context (GRCh38, chr4:125,321,146, plus strand): 5'-GCTAATGGAGAAATAGAGTATGAGATCATCAATGGGGACACAGACACCTTCATTGTTGAT[C>T]GTTATAGTGGAGACCTGAGAGTGGCTTCAGCGTTGGTGCCTTCACAGTTGATCTACAATC-3'
Protein context (NP_001278232.1, residues 1569-1589): NGDTDTFIVD[Arg1579Cys]YSGDLRVASA

ClinVar aggregate classification (germline): Uncertain significance (1 of 4 stars; one submission).

Conditions:
Van Maldergem syndrome 2 (VMLDS2). Identifiers: Orphanet 314679, MedGen C3809875, MONDO:0014242, OMIM 615546.
Hennekam lymphangiectasia-lymphedema syndrome 2 (HKLLS2). Identifiers: Orphanet 2136, MedGen C4014939, MONDO:0014454, OMIM 616006.

gnomAD v4.1: 82 of 1,614,082 alleles (0.0051%); highest among the groups gnomAD compares: Non-Finnish European, 0.0066%; no homozygotes.

Submission:

Clinical Genomics Laboratory, Washington University in St. Louis
Classification: Uncertain significance for Hennekam lymphangiectasia-lymphedema syndrome 2; Van Maldergem syndrome 2. Last evaluated: 2025-07-18. Review status: criteria provided, single submitter. Criteria: ACMG Guidelines, 2015. Collection method: clinical testing. Allele origin: germline.
Comment: A FAT4 c.4735C>T (p.Arg1579Cys) variant was identified at a heterozygous allelic fraction of 50.1%, a frequency which may be consistent with it being of germline origin. This variant is only observed in 82/1,614,082 alleles in the general population (gnomAD v4.1.0), indicating it is not a common variant. Computational predictors are uncertain as to the impact of this variant on FAT4 function. Due to limited information, and based on ACMG/AMP guidelines for variant interpretation (Richards S et al., PMID: 25741868), the clinical significance of this variant is uncertain at this time.